The following is an entry in ClinVar:

ClinVar aggregate classification (germline): Uncertain significance (1 of 4 stars; one submission).

Conditions:
Hearing impairment. Also called: Impaired Hearing. Identifiers: MedGen C1384666, MONDO:0005365, HP:0000365.

Allele frequency attached by ClinVar (database versions not stated): TOPMed below 0.00001; gnomAD exomes 0.00001.
gnomAD v4.1: 7 of 1,600,186 alleles (0.00044%); highest among the groups gnomAD compares: Non-Finnish European, 0.00059%; no homozygotes.

Submission:

Department of Otolaryngology – Head & Neck Surgery, Cochlear Implant Center
Classification: Uncertain significance for Hearing impairment. Last evaluated: 2021-04-12. Review status: criteria provided, single submitter. Criteria: ClinGen HL ACMG Specifications v1. Collection method: clinical testing. Allele origin: germline. Affected: yes.
Comment: PM2_Moderate

NM_005422.4(TECTA):c.2279A>T (p.Asp760Val)

Genes: TBCEL-TECTA (TBCEL-TECTA readthrough; plus strand), TECTA (tectorin alpha; plus strand). Cytogenetic location: 11q23.3.
Variant type: single nucleotide variant.
Coding change: c.2279A>T on transcript NM_005422.4 (MANE Select); coding-DNA position 2279, A replaced by T.
Protein change: p.Asp760Val; replaces aspartic acid 760 with valine.
Molecular consequence: missense variant.
Genome position (GRCh38, 1-based): chr11:121,128,256, A>T. VCF-style: chr11-121128256-A-T. GRCh37 (hg19) VCF-style: chr11-120998965-A-T.
Other names: c.3236A>T, p.Asp1079Val (NM_001378761.1); short protein forms D1079V, D760V.
Identifiers: ClinVar variation 1064881 (VCV001064881.3), dbSNP rs1456495966, ClinGen allele CA383015043.
Genomic context (GRCh38, chr11:121,128,256, plus strand): 5'-TGAAGACCTGCCCTGAGCGCCCAGAGTACTTGGAAATCGACATCAACAAGAAGAAGCCCG[A>T]TGCAGGACCTGCTTGGCTGCGGGGACTTCGGATCCTGGTGGCCGACCAGGAGGTCAAGAT-3'
Protein context (NP_005413.2, residues 750-770): LEIDINKKKP[Asp760Val]AGPAWLRGLR